The following is an entry in ClinVar:

ClinVar aggregate classification (germline): Uncertain significance (1 of 4 stars; one submission).

Conditions:
RASopathy. Also called: rasopathies; Noonan spectrum disorder. Identifiers: Orphanet 536391, MedGen C5555857, MONDO:0021060.

Submission:

Labcorp Genetics (formerly Invitae), Labcorp
Classification: Uncertain significance for RASopathy. Last evaluated: 2025-08-06. Review status: criteria provided, single submitter. Criteria: Invitae Variant Classification Sherloc (09022015). Collection method: clinical testing. Allele origin: germline.
Comment: This sequence change creates a premature translational stop signal (p.Arg961Glyfs*4) in the SOS1 gene. It is expected to result in an absent or disrupted protein product. However, the current clinical and genetic evidence is not sufficient to establish whether loss-of-function variants in SOS1 cause disease. This variant is not present in population databases (gnomAD no frequency). This variant has not been reported in the literature in individuals affected with SOS1-related conditions. Algorithms developed to predict the effect of sequence changes on RNA splicing suggest that this variant may disrupt the consensus splice site. In summary, the available evidence is currently insufficient to determine the role of this variant in disease. Therefore, it has been classified as a Variant of Uncertain Significance.

NM_005633.4(SOS1):c.2881del (p.Arg961fs)

Gene: SOS1 (SOS Ras/Rac guanine nucleotide exchange factor 1; minus strand). Cytogenetic location: 2p22.1.
Variant type: Deletion.
Coding change: c.2881del on transcript NM_005633.4 (MANE Select); coding-DNA position 2881, one base deleted (A; older notation c.2881delA).
Protein change: p.Arg961fs; shifts the reading frame from arginine 961.
Molecular consequence: frameshift variant.
Genome position (GRCh38, 1-based): chr2:38,997,336, T deleted on the plus strand (A on the coding strand, the reverse complement: SOS1 is on the minus strand); the first of 4 consecutive T bases (chr2:38,997,336-38,997,339); deleting any one gives the same sequence. VCF-style (leftmost placement, unchanged base first): chr2-38997335-CT-C. GRCh37 (hg19) VCF-style: chr2-39224476-CT-C.
Other names: c.2860del, p.Arg954fs (NM_001382394.1); c.2881del, p.Arg961fs (NM_001382395.1); short protein forms R954fs, R961fs.
Identifiers: ClinVar variation 4724959 (VCV004724959.1).